The following is an entry in ClinVar:

NM_004082.5(DCTN1):c.2810A>G (p.Asp937Gly)

Gene: DCTN1 (dynactin subunit 1; minus strand). Cytogenetic location: 2p13.1.
Variant type: single nucleotide variant.
Coding change: c.2810A>G on transcript NM_004082.5 (MANE Select); coding-DNA position 2810, A replaced by G.
Protein change: p.Asp937Gly; replaces aspartic acid 937 with glycine.
Molecular consequence: missense variant. On other transcripts: non-coding transcript variant (1).
Genome position (GRCh38, 1-based): chr2:74,365,969, T>C on the plus strand (A>G on the coding strand, the complement: DCTN1 is on the minus strand). VCF-style: chr2-74365969-T-C. GRCh37 (hg19) VCF-style: chr2-74593096-T-C.
Other names: c.2408A>G, p.Asp803Gly (NM_023019.4, NM_001135041.3); c.2750A>G, p.Asp917Gly (NM_001135040.3); c.2699A>G, p.Asp900Gly (NM_001190836.2); c.2789A>G, p.Asp930Gly (NM_001190837.2); c.2759A>G, p.Asp920Gly (NM_001378991.1); c.2741A>G, p.Asp914Gly (NM_001378992.1); short protein forms D914G, D917G, D930G, D803G, D900G, D920G, D937G.
Identifiers: ClinVar variation 4793978 (VCV004793978.1).

ClinVar aggregate classification (germline): Uncertain significance (1 of 4 stars; one submission).

Conditions:
Amyotrophic lateral sclerosis type 1 (ALS1). Also called: AMYOTROPHIC LATERAL SCLEROSIS 1, FAMILIAL. Identifiers: Orphanet 803, MedGen C1862939, MONDO:0007103, OMIM 105400.
Neuronopathy, distal hereditary motor, type 7B. Also called: NEURONOPATHY, DISTAL HEREDITARY MOTOR, AUTOSOMAL DOMINANT 14; NEURONOPATHY, DISTAL HEREDITARY MOTOR, HARDING TYPE VIIB; NEUROPATHY, DISTAL HEREDITARY MOTOR, HARDING TYPE VIIB; NEUROPATHY, DISTAL HEREDITARY MOTOR, WITH VOCAL CORD PARALYSIS, HARDING TYPE VIIB; HMN VIIB; LOWER MOTOR NEURON DISEASE, DYNACTIN TYPE. Identifiers: Orphanet 139589, MedGen C1843315, MONDO:0011879, OMIM 607641.
Perry syndrome. Also called: PARKINSONISM WITH ALVEOLAR HYPOVENTILATION AND MENTAL DEPRESSION. Identifiers: Orphanet 178509, MedGen C1868594, MONDO:0008201, OMIM 168605.

Submission:

Labcorp Genetics (formerly Invitae), Labcorp
Classification: Uncertain significance for Amyotrophic lateral sclerosis type 1; Neuronopathy, distal hereditary motor, type 7B; Perry syndrome. Last evaluated: 2025-08-29. Review status: criteria provided, single submitter. Criteria: Invitae Variant Classification Sherloc (09022015). Collection method: clinical testing. Allele origin: germline.
Comment: This sequence change replaces aspartic acid, which is acidic and polar, with glycine, which is neutral and non-polar, at codon 937 of the DCTN1 protein (p.Asp937Gly). This variant is not present in population databases (gnomAD no frequency). This variant has not been reported in the literature in individuals affected with DCTN1-related conditions. Invitae Evidence Modeling of protein sequence and biophysical properties (such as structural, functional, and spatial information, amino acid conservation, physicochemical variation, residue mobility, and thermodynamic stability) has been performed for this missense variant. However, the output from this modeling did not meet the statistical confidence thresholds required to predict the impact of this variant on DCTN1 protein function. In summary, the available evidence is currently insufficient to determine the role of this variant in disease. Therefore, it has been classified as a Variant of Uncertain Significance.